The following is an entry in ClinVar:

ClinVar aggregate classification (germline): Uncertain significance. Review status: criteria provided, multiple submitters, no conflicts (2 of 4 stars). 4 submissions from 3 submitters: Uncertain significance (4). Last evaluated 2025-09-19.

Conditions:
Cardiovascular phenotype. Identifiers: MedGen CN230736.
Arrhythmogenic right ventricular dysplasia 2. Identifiers: MedGen C1832931.
Catecholaminergic polymorphic ventricular tachycardia 1. Also called: RYR2-Related Catecholaminergic Polymorphic Ventricular Tachycardia; VENTRICULAR TACHYCARDIA, CATECHOLAMINERGIC POLYMORPHIC, 1, WITH OR WITHOUT ATRIAL DYSFUNCTION AND/OR DILATED CARDIOMYOPATHY; VENTRICULAR TACHYCARDIA, STRESS-INDUCED POLYMORPHIC 1. Identifiers: Orphanet 3286, MedGen C1631597, MONDO:0011484, OMIM 604772.

Allele frequency attached by ClinVar (database versions not stated): gnomAD exomes below 0.00001 and 0.00002; ExAC 0.00001; gnomAD 0.00001; TOPMed 0.00001.
gnomAD v4.1: 34 of 1,613,846 alleles (0.0021%); highest among the groups gnomAD compares: Non-Finnish European, 0.0027%; no homozygotes.

Submissions (4):

Labcorp Genetics (formerly Invitae), Labcorp
Classification: Uncertain significance for Catecholaminergic polymorphic ventricular tachycardia 1. Last evaluated: 2025-09-19. Review status: criteria provided, single submitter. Criteria: Invitae Variant Classification Sherloc (09022015). Collection method: clinical testing. Allele origin: germline.
Comment: This sequence change replaces arginine, which is basic and polar, with cysteine, which is neutral and slightly polar, at codon 848 of the RYR2 protein (p.Arg848Cys). This variant is present in population databases (rs765102386, gnomAD 0.0009%). This variant has not been reported in the literature in individuals affected with RYR2-related conditions. ClinVar contains an entry for this variant (Variation ID: 874227). Invitae Evidence Modeling of protein sequence and biophysical properties (such as structural, functional, and spatial information, amino acid conservation, physicochemical variation, residue mobility, and thermodynamic stability) indicates that this missense variant is not expected to disrupt RYR2 protein function with a negative predictive value of 95%. In summary, the available evidence is currently insufficient to determine the role of this variant in disease. Therefore, it has been classified as a Variant of Uncertain Significance.

Ambry Genetics
Classification: Uncertain significance for Cardiovascular phenotype. Last evaluated: 2023-07-14. Review status: criteria provided, single submitter. Criteria: Ambry Variant Classification Scheme 2023. Collection method: clinical testing. Allele origin: germline.
Comment: The p.R848C variant (also known as c.2542C>T), located in coding exon 22 of the RYR2 gene, results from a C to T substitution at nucleotide position 2542. The arginine at codon 848 is replaced by cysteine, an amino acid with highly dissimilar properties. This alteration has been reported in autism spectrum disorder cohorts and neurodevelopemental cohorts (Iossifov I et al. Nature, 2014 Nov;515:216-21; Sanders SJ et al. Neuron, 2015 Sep;87:1215-1233; Turner TN et al. Am J Hum Genet, 2019 Dec;105:1274-1285). This amino acid position is highly conserved in available vertebrate species. In addition, this alteration is predicted to be deleterious by in silico analysis. Since supporting evidence is limited at this time, the clinical significance of this alteration remains unclear.

Illumina Laboratory Services, Illumina
Classification: Uncertain significance for Catecholaminergic polymorphic ventricular tachycardia 1. Last evaluated: 2017-04-27. Review status: criteria provided, single submitter. Criteria: ICSL Variant Classification Criteria 13 December 2019. Collection method: clinical testing. Allele origin: germline.

Illumina Laboratory Services, Illumina
Classification: Uncertain significance for Catecholaminergic polymorphic ventricular tachycardia 1. Last evaluated: 2017-04-27. Review status: criteria provided, single submitter. Criteria: ICSL Variant Classification Criteria 13 December 2019. Collection method: clinical testing. Allele origin: germline.

Literature cited by the submitters: PubMed 25363768 (cited by Ambry Genetics); PubMed 26402605 (cited by Ambry Genetics); PubMed 31785789 (cited by Ambry Genetics).

NM_001035.3(RYR2):c.2542C>T (p.Arg848Cys)

Gene: RYR2 (ryanodine receptor 2; plus strand). Cytogenetic location: 1q43.
Variant type: single nucleotide variant.
Coding change: c.2542C>T on transcript NM_001035.3 (MANE Select); coding-DNA position 2542, C replaced by T.
Protein change: p.Arg848Cys; replaces arginine 848 with cysteine.
Molecular consequence: missense variant.
Genome position (GRCh38, 1-based): chr1:237,503,434, C>T. VCF-style: chr1-237503434-C-T. GRCh37 (hg19) VCF-style: chr1-237666734-C-T.
Other names: short protein forms R848C.
Identifiers: ClinVar variation 874227 (VCV000874227.9), dbSNP rs765102386, ClinGen allele CA086066.